The following is an entry in ClinVar:

NM_145290.4(ADGRA3):c.3679T>C (p.Tyr1227His)

Gene: ADGRA3 (adhesion G protein-coupled receptor A3; minus strand). Cytogenetic location: 4p15.2.
Variant type: single nucleotide variant.
Coding change: c.3679T>C on transcript NM_145290.4 (MANE Select); coding-DNA position 3679, T replaced by C.
Protein change: p.Tyr1227His; replaces tyrosine 1227 with histidine.
Molecular consequence: missense variant.
Genome position (GRCh38, 1-based): chr4:22,387,992, A>G on the plus strand (T>C on the coding strand, the complement: ADGRA3 is on the minus strand). VCF-style: chr4-22387992-A-G. GRCh37 (hg19) VCF-style: chr4-22389615-A-G.
Other names: c.3679T>C (NM_145290.2); short protein forms Y1227H.
Identifiers: ClinVar variation 1508863 (VCV001508863.7), dbSNP rs1195892800, ClinGen allele CA356471925.

ClinVar aggregate classification (germline): Uncertain significance. Review status: criteria provided, multiple submitters, no conflicts (2 of 4 stars). 2 submissions from 2 submitters: Uncertain significance (2). Last evaluated 2025-08-10.

Allele frequency attached by ClinVar (database versions not stated): gnomAD 0.00001; gnomAD exomes 0.00001; TOPMed 0.00001.
gnomAD v4.1: 16 of 1,614,014 alleles (0.00099%); highest among the groups gnomAD compares: Non-Finnish European, 0.0012%; no homozygotes.

Submissions (2):

Ambry Genetics
Classification: Uncertain significance. Last evaluated: 2025-08-10. Review status: criteria provided, single submitter. Criteria: Ambry Variant Classification Scheme 2023. Collection method: clinical testing. Allele origin: germline.

Labcorp Genetics (formerly Invitae), Labcorp
Classification: Uncertain significance. Last evaluated: 2025-04-16. Review status: criteria provided, single submitter. Criteria: Invitae Variant Classification Sherloc (09022015). Collection method: clinical testing. Allele origin: germline.
Comment: This sequence change replaces tyrosine, which is neutral and polar, with histidine, which is basic and polar, at codon 1227 of the ADGRA3 protein (p.Tyr1227His). This variant is not present in population databases (gnomAD no frequency). This variant has not been reported in the literature in individuals affected with ADGRA3-related conditions. ClinVar contains an entry for this variant (Variation ID: 1508863). An algorithm developed to predict the effect of missense changes on protein structure and function outputs the following: PolyPhen-2: "Benign". The histidine amino acid residue is found in multiple mammalian species, which suggests that this missense change does not adversely affect protein function. In summary, the available evidence is currently insufficient to determine the role of this variant in disease. Therefore, it has been classified as a Variant of Uncertain Significance.